The following is an entry in ClinVar:

NM_016604.4(KDM3B):c.4879G>A (p.Glu1627Lys)

Gene: KDM3B (lysine demethylase 3B; plus strand). Cytogenetic location: 5q31.2.
Variant type: single nucleotide variant.
Coding change: c.4879G>A on transcript NM_016604.4 (MANE Select); coding-DNA position 4879, G replaced by A.
Protein change: p.Glu1627Lys; replaces glutamic acid 1627 with lysine.
Molecular consequence: missense variant.
Genome position (GRCh38, 1-based): chr5:138,429,951, G>A. VCF-style: chr5-138429951-G-A. GRCh37 (hg19) VCF-style: chr5-137765640-G-A.
Other names: short protein forms E1627K.
Identifiers: ClinVar variation 4891502 (VCV004891502.1).

ClinVar aggregate classification (germline): Uncertain significance (1 of 4 stars; one submission).

Submission:

GeneDx
Classification: Uncertain significance. Last evaluated: 2026-01-30. Review status: criteria provided, single submitter. Criteria: GeneDx Variant Classification Process June 2021. Collection method: clinical testing. Allele origin: germline.
Comment: Not observed at significant frequency in large population cohorts (gnomAD); In silico analysis supports that this missense variant has a deleterious effect on protein structure/function; This variant is associated with the following publications: (PMID: 35982159, 33057194, 38553553)